The following is an entry in ClinVar:

ClinVar aggregate classification (germline): Uncertain significance (1 of 4 stars; one submission).

Conditions:
Vitamin B2 deficiency. Identifiers: MedGen C0035528.

Allele frequency attached by ClinVar (database versions not stated): gnomAD exomes below 0.00001.
gnomAD v4.1: 1 of 1,614,200 alleles (0.000062%); highest among the groups gnomAD compares: Non-Finnish European, 0.000085%; no homozygotes.

Submission:

Labcorp Genetics (formerly Invitae), Labcorp
Classification: Uncertain significance for Vitamin B2 deficiency. Last evaluated: 2020-11-14. Review status: criteria provided, single submitter. Criteria: Invitae Variant Classification Sherloc (09022015). Collection method: clinical testing. Allele origin: germline.
Comment: This sequence change replaces proline with leucine at codon 231 of the SLC52A1 protein (p.Pro231Leu). The proline residue is moderately conserved and there is a moderate physicochemical difference between proline and leucine. This variant is not present in population databases (ExAC no frequency). This variant has not been reported in the literature in individuals with SLC52A1-related conditions. Algorithms developed to predict the effect of missense changes on protein structure and function are either unavailable or do not agree on the potential impact of this missense change (SIFT: "Deleterious"; PolyPhen-2: "Benign"; Align-GVGD: "Class C0"). In summary, the available evidence is currently insufficient to determine the role of this variant in disease. Therefore, it has been classified as a Variant of Uncertain Significance.

NM_017986.4(SLC52A1):c.692C>T (p.Pro231Leu)

Gene: SLC52A1 (solute carrier family 52 member 1; minus strand). Cytogenetic location: 17p13.2.
Variant type: single nucleotide variant.
Coding change: c.692C>T on transcript NM_017986.4 (MANE Select); coding-DNA position 692, C replaced by T.
Protein change: p.Pro231Leu; replaces proline 231 with leucine.
Molecular consequence: missense variant.
Genome position (GRCh38, 1-based): chr17:5,033,797, G>A on the plus strand (C>T on the coding strand, the complement: SLC52A1 is on the minus strand). VCF-style: chr17-5033797-G-A. GRCh37 (hg19) VCF-style: chr17-4937092-G-A.
Other names: c.692C>T, p.Pro231Leu (NM_001104577.2); short protein forms P231L.
Identifiers: ClinVar variation 1489502 (VCV001489502.8), dbSNP rs2143430852, ClinGen allele CA397329225.
Genomic context (GRCh38, chr17:5,033,797, plus strand): 5'-AAAGCCTCTTCTTCCTCCTTCTCTTCCTCCTCTGCTCCTGGGGATCCCAGTTGAAGTTCA[G>A]GCCCTGAGCCCCCTGTGGTTACAGAGGGTAGTGATGGCAACAGCAACAGGAGACCCCGGA-3'
Protein context (NP_060456.3, residues 221-241): LPSVTTGGSG[Pro231Leu]ELQLGSPGAE